The following is an entry in ClinVar:

ClinVar aggregate classification (germline): Conflicting classifications of pathogenicity. Review status: criteria provided, conflicting classifications (1 of 4 stars). 2 submissions from 2 submitters: Likely pathogenic (1); Uncertain significance (1). Last evaluated 2025-08-29.

Conditions:
Hypophosphatasia. Also called: Phosphoethanol-aminuria. Identifiers: Orphanet 436, MedGen C0020630, MeSH D007014, MONDO:0018570.

Submissions (2):

Genomenon, Inc
Classification: Likely pathogenic for Hypophosphatasia. Last evaluated: 2025-08-29. Review status: criteria provided, single submitter. Criteria: Genomenon Sequence Variant Interpretation Standards. Collection method: curation. Allele origin: germline. Affected: yes.
Comment: ALPL p.Ala345Pro (c.1033G>C) is a missense variant that changes the amino acid at residue 345 from Alanine to Proline. This variant has been observed in at least one proband affected with hypophosphatasia (PMID:38884565). The variant was found to segregate with disease in at least one affected family (PMID:38884565). It is absent or not present at a significant frequency in gnomAD. In silico models agree that this variant is possibly or probably damaging. In conclusion, we classify ALPL p.Ala345Pro (c.1033G>C) as a likely pathogenic variant.

JKU Lab, Dept of Paediatrics, Johannes Kepler University
Classification: Uncertain significance for Hypophosphatasia. Last evaluated: 2025-06-26. Review status: criteria provided, single submitter. Criteria: ACMG Guidelines, 2015. Collection method: clinical testing. Allele origin: germline. Affected: yes.
Comment: This missense variant is not present in GnomAD 4.1. The variant is predicted to affect protein function (REVEL score: 0.805). Splice-prediction algorithms predict no effect on splicing. This variant has not been reported in the literature in individuals affected with ALPL-related conditions. The applied ACMG criteria can be viewed at an online resource

Literature cited by the submitters: PubMed 38884565 (cited by Genomenon, Inc).

NM_000478.6(ALPL):c.1033G>C (p.Ala345Pro)

Gene: ALPL (alkaline phosphatase, biomineralization associated; plus strand). Cytogenetic location: 1p36.12.
Variant type: single nucleotide variant.
Coding change: c.1033G>C on transcript NM_000478.6 (MANE Select); coding-DNA position 1033, G replaced by C.
Protein change: p.Ala345Pro; replaces alanine 345 with proline.
Molecular consequence: missense variant.
Genome position (GRCh38, 1-based): chr1:21,575,768, G>C. VCF-style: chr1-21575768-G-C. GRCh37 (hg19) VCF-style: chr1-21902261-G-C.
Other names: c.868G>C, p.Ala290Pro (NM_001127501.4); c.802G>C, p.Ala268Pro (NM_001177520.3); c.1033G>C, p.Ala345Pro (NM_001369803.2, NM_001369804.2, NM_001369805.2); short protein forms A268P, A290P, A345P.
Identifiers: ClinVar variation 4073529 (VCV004073529.2).